The following is an entry in ClinVar:

NM_014425.5(INVS):c.1990G>A (p.Gly664Arg)

Gene: INVS (inversin; plus strand). Cytogenetic location: 9q31.1.
Variant type: single nucleotide variant.
Coding change: c.1990G>A on transcript NM_014425.5 (MANE Select); coding-DNA position 1990, G replaced by A.
Protein change: p.Gly664Arg; replaces glycine 664 with arginine.
Molecular consequence: missense variant. On other transcripts: non-coding transcript variant (1).
Genome position (GRCh38, 1-based): chr9:100,284,525, G>A. VCF-style: chr9-100284525-G-A. GRCh37 (hg19) VCF-style: chr9-103046807-G-A.
Other names: c.1990G>A (NM_014425.4); c.1702G>A, p.Gly568Arg (NM_001318381.2); c.1012G>A, p.Gly338Arg (NM_001318382.2); short protein forms G338R, G568R, G664R.
Identifiers: ClinVar variation 1020716 (VCV001020716.11), dbSNP rs1397635177, ClinGen allele CA374240471.

ClinVar aggregate classification (germline): Uncertain significance. Review status: criteria provided, multiple submitters, no conflicts (2 of 4 stars). 3 submissions from 3 submitters: Uncertain significance (3). Last evaluated 2025-06-12.

Conditions:
INVS-related disorder. Also called: INVS-related condition.
Nephronophthisis. Also called: Juvenile Nephronophthisis. Identifiers: Orphanet 655, MedGen C0687120, MONDO:0019005, HP:0000090.
Infantile nephronophthisis (NPHP2). Also called: Nephronophthisis 2; Nephronophthisis 2, infantile. Identifiers: Orphanet 655, Orphanet 93591, MedGen C1865872, MONDO:0011190, OMIM 602088.

Allele frequency attached by ClinVar (database versions not stated): gnomAD exomes 0.00001; TOPMed 0.00002.
gnomAD v4.1: 14 of 1,614,034 alleles (0.00087%); highest among the groups gnomAD compares: Non-Finnish European, 0.0012%; no homozygotes.

Submissions (3):

Labcorp Genetics (formerly Invitae), Labcorp
Classification: Uncertain significance for Nephronophthisis. Last evaluated: 2025-06-12. Review status: criteria provided, single submitter. Criteria: Invitae Variant Classification Sherloc (09022015). Collection method: clinical testing. Allele origin: germline.
Comment: This sequence change replaces glycine, which is neutral and non-polar, with arginine, which is basic and polar, at codon 664 of the INVS protein (p.Gly664Arg). This variant is not present in population databases (gnomAD no frequency). This variant has not been reported in the literature in individuals affected with INVS-related conditions. ClinVar contains an entry for this variant (Variation ID: 1020716). An algorithm developed to predict the effect of missense changes on protein structure and function outputs the following: PolyPhen-2: "Benign". The arginine amino acid residue is found in multiple mammalian species, which suggests that this missense change does not adversely affect protein function. In summary, the available evidence is currently insufficient to determine the role of this variant in disease. Therefore, it has been classified as a Variant of Uncertain Significance.

PreventionGenetics, part of Exact Sciences
Classification: Uncertain significance for INVS-related condition. Last evaluated: 2024-10-22. Review status: criteria provided, single submitter. Criteria: ACMG Guidelines, 2015. Collection method: clinical testing. Allele origin: germline.
Comment: The INVS c.1990G>A variant is predicted to result in the amino acid substitution p.Gly664Arg. To our knowledge, this variant has not been reported in the literature or in a large population database (gnomAD), indicating this variant is rare. At this time, the clinical significance of this variant is uncertain due to the absence of conclusive functional and genetic evidence.

Fulgent Genetics
Classification: Uncertain significance for Infantile nephronophthisis. Last evaluated: 2024-06-06. Review status: criteria provided, single submitter. Criteria: ACMG Guidelines, 2015. Collection method: clinical testing. Allele origin: germline.